The following is an entry in ClinVar:

NM_001384732.1(CPLANE1):c.3743G>A (p.Gly1248Asp)

Gene: CPLANE1 (ciliogenesis and planar polarity effector complex subunit 1; minus strand). Cytogenetic location: 5p13.2.
Variant type: single nucleotide variant.
Coding change: c.3743G>A on transcript NM_001384732.1 (MANE Select); coding-DNA position 3743, G replaced by A.
Protein change: p.Gly1248Asp; replaces glycine 1248 with aspartic acid.
Molecular consequence: missense variant.
Genome position (GRCh38, 1-based): chr5:37,195,926, C>T on the plus strand (G>A on the coding strand, the complement: CPLANE1 is on the minus strand). VCF-style: chr5-37195926-C-T. GRCh37 (hg19) VCF-style: chr5-37196028-C-T.
Other names: p.Gly1248Asp; c.3743G>A, p.Gly1248Asp (NM_023073.4); short protein forms G1248D.
Identifiers: ClinVar variation 158031 (VCV000158031.23), dbSNP rs72736758, ClinGen allele CA171428.

ClinVar aggregate classification (germline): Benign/Likely benign. Review status: criteria provided, multiple submitters, no conflicts (2 of 4 stars). 8 submissions from 8 submitters: Benign (5); Likely benign (2). 1 of the submissions does not count toward it. Last evaluated 2026-02-04.

Conditions:
Joubert syndrome 17 (JBTS17). Identifiers: Orphanet 475, MedGen C3553264, MONDO:0013824, OMIM 614615.

Allele frequency attached by ClinVar (database versions not stated): 1000 Genomes Project 30x 0.01874; 1000 Genomes Project 0.01937; gnomAD 0.02238; TOPMed 0.02734; ExAC 0.03026; gnomAD exomes 0.03035; ESP Exome Variant Server 0.03137.
gnomAD v4.1: 58,531 of 1,612,448 alleles (3.6%); highest among the groups gnomAD compares: Middle Eastern, 8.9%; 1,295 homozygotes.

Submissions (8):

Labcorp Genetics (formerly Invitae), Labcorp
Classification: Benign. Last evaluated: 2026-02-04. Review status: criteria provided, single submitter. Criteria: Invitae Variant Classification Sherloc (09022015). Collection method: clinical testing. Allele origin: germline.

Mayo Clinic Laboratories, Mayo Clinic
Classification: Benign. Last evaluated: 2024-06-03. Review status: criteria provided, single submitter. Criteria: ACMG Guidelines, 2015. Collection method: clinical testing. Allele origin: germline. Observed: 3 variant alleles.
Comment: BA1, BS2, BP4

Illumina Laboratory Services, Illumina
Classification: Benign for Joubert syndrome 17. Last evaluated: 2018-01-13. Review status: criteria provided, single submitter. Criteria: ICSL Variant Classification Criteria 13 December 2019. Collection method: clinical testing. Allele origin: germline.
Comment: This variant was observed in the ICSL laboratory as part of a predisposition screen in an ostensibly healthy population. It had not been previously curated by ICSL or reported in the Human Gene Mutation Database (HGMD: prior to June 1st, 2018), and was therefore a candidate for classification through an automated scoring system. Utilizing variant allele frequency, disease prevalence and penetrance estimates, and inheritance mode, an automated score was calculated to assess if this variant is too frequent to cause the disease. Based on the score and internal cut-off values, a variant classified as benign is not then subjected to further curation. The score for this variant resulted in a classification of benign for this disease.

GeneDx
Classification: Benign. Last evaluated: 2016-03-22. Review status: criteria provided, single submitter. Criteria: GeneDx Variant Classification (06012015). Collection method: clinical testing. Allele origin: germline. Affected: yes.
Comment: This variant is considered likely benign or benign based on one or more of the following criteria: it is a conservative change, it occurs at a poorly conserved position in the protein, it is predicted to be benign by multiple in silico algorithms, and/or has population frequency not consistent with disease.

Clinical Genetics DNA and cytogenetics Diagnostics Lab, Erasmus MC, Erasmus Medical Center
Classification: Likely benign for Joubert syndrome 17. Last evaluated: 2015-09-21. Review status: criteria provided, single submitter. Criteria: ACGS Guidelines, 2013. Collection method: clinical testing. Allele origin: germline. Affected: yes. Study: VKGL Data-share Consensus.

Breakthrough Genomics
Classification: Likely benign. Review status: criteria provided, single submitter. Criteria: ACMG Guidelines, 2015. Collection method: not provided. Allele origin: germline. Inheritance: Autosomal recessive inheritance. Affected: yes.

PreventionGenetics, part of Exact Sciences
Classification: Benign. Review status: criteria provided, single submitter. Criteria: ACMG Guidelines, 2015. Collection method: clinical testing. Allele origin: germline.

Genetic Services Laboratory, University of Chicago
Classification: Likely benign. Review status: no assertion criteria provided. Collection method: clinical testing. Allele origin: germline. Inheritance: Autosomal recessive inheritance. Not counted in ClinVar's aggregate classification.
Comment: Likely benign based on allele frequency in 1000 Genomes Project or ESP global frequency and its presence in a patient with a rare or unrelated disease phenotype. NOT Sanger confirmed

Literature cited by the submitters: PubMed 31308072 (cited by Mayo Clinic Laboratories, Mayo Clinic).